The following is an entry in ClinVar:

NM_001004356.3(FGFRL1):c.1407G>C (p.Lys469Asn)

Gene: FGFRL1 (fibroblast growth factor receptor like 1; plus strand). Cytogenetic location: 4p16.3.
Variant type: single nucleotide variant.
Coding change: c.1407G>C on transcript NM_001004356.3 (MANE Select); coding-DNA position 1407, G replaced by C.
Protein change: p.Lys469Asn; replaces lysine 469 with asparagine.
Molecular consequence: missense variant.
Genome position (GRCh38, 1-based): chr4:1,025,239, G>C. VCF-style: chr4-1025239-G-C. GRCh37 (hg19) VCF-style: chr4-1019027-G-C.
Other names: c.1407G>C, p.Lys469Asn (NM_001004358.1, NM_001370296.1, NM_021923.3); short protein forms K469N.
Identifiers: ClinVar variation 2849974 (VCV002849974.3), dbSNP rs2534156020, ClinGen allele CA355936190.

ClinVar aggregate classification (germline): Uncertain significance (1 of 4 stars; one submission).

Submission:

Labcorp Genetics (formerly Invitae), Labcorp
Classification: Uncertain significance. Last evaluated: 2024-10-23. Review status: criteria provided, single submitter. Criteria: Invitae Variant Classification Sherloc (09022015). Collection method: clinical testing. Allele origin: germline.
Comment: This sequence change replaces lysine, which is basic and polar, with asparagine, which is neutral and polar, at codon 469 of the FGFRL1 protein (p.Lys469Asn). This variant is not present in population databases (gnomAD no frequency). This variant has not been reported in the literature in individuals affected with FGFRL1-related conditions. An algorithm developed to predict the effect of missense changes on protein structure and function (PolyPhen-2) suggests that this variant is likely to be disruptive. In summary, the available evidence is currently insufficient to determine the role of this variant in disease. Therefore, it has been classified as a Variant of Uncertain Significance.